The following is an entry in ClinVar:

NM_000038.6(APC):c.3267C>G (p.Phe1089Leu)

Gene: APC (APC regulator of Wnt signaling pathway; plus strand). Cytogenetic location: 5q22.2.
Variant type: single nucleotide variant.
Coding change: c.3267C>G on transcript NM_000038.6 (MANE Select); coding-DNA position 3267, C replaced by G.
Protein change: p.Phe1089Leu; replaces phenylalanine 1089 with leucine.
Molecular consequence: missense variant.
Genome position (GRCh38, 1-based): chr5:112,838,861, C>G. VCF-style: chr5-112838861-C-G. GRCh37 (hg19) VCF-style: chr5-112174558-C-G.
Other names: c.3267C>G (NM_000038.5); c.3267C>G, p.Phe1089Leu (NM_001127510.3, NM_001354895.2); c.3213C>G, p.Phe1071Leu (NM_001127511.3); c.3321C>G, p.Phe1107Leu (NM_001354896.2); c.3297C>G, p.Phe1099Leu (NM_001354897.2); c.3192C>G, p.Phe1064Leu (NM_001354898.2); c.3183C>G, p.Phe1061Leu (NM_001354899.2); c.3144C>G, p.Phe1048Leu (NM_001354900.2); and 6 more; short protein forms F1061L, F806L, F963L, F1064L, F1099L, F988L, F998L, F1048L.
Identifiers: ClinVar variation 1394710 (VCV001394710.9), dbSNP rs757020768, ClinGen allele CA034863.

ClinVar aggregate classification (germline): Uncertain significance. Review status: criteria provided, multiple submitters, no conflicts (2 of 4 stars). 2 submissions from 2 submitters: Uncertain significance (2). Last evaluated 2025-10-30.

Conditions:
Hereditary cancer-predisposing syndrome. Also called: Neoplastic Syndromes, Hereditary; Hereditary neoplastic syndrome; Tumor predisposition; Hereditary Cancer Syndrome. Identifiers: Orphanet 140162, MedGen C0027672, MeSH D009386, MONDO:0015356.
Familial adenomatous polyposis 1 (FAP1). Also called: FAMILIAL ADENOMATOUS POLYPOSIS 1, ATTENUATED; POLYPOSIS, ADENOMATOUS INTESTINAL. Identifiers: MedGen C2713442, MONDO:0021056, OMIM 175100. Disease mechanism: loss of function.

Allele frequency attached by ClinVar (database versions not stated): gnomAD exomes below 0.00001; ExAC 0.00001.
gnomAD v4.1: 2 of 1,614,146 alleles (0.00012%); highest among the groups gnomAD compares: Non-Finnish European, 0.000085%; no homozygotes.

Submissions (2):

Ambry Genetics
Classification: Uncertain significance for Hereditary cancer-predisposing syndrome. Last evaluated: 2025-10-30. Review status: criteria provided, single submitter. Criteria: Ambry Variant Classification Scheme 2023. Collection method: clinical testing. Allele origin: germline.
Comment: The p.F1089L variant (also known as c.3267C>G), located in coding exon 15 of the APC gene, results from a C to G substitution at nucleotide position 3267. The phenylalanine at codon 1089 is replaced by leucine, an amino acid with highly similar properties. This amino acid position is conserved. In addition, in silico predictors for this gene do not accurately predict pathogenicity. Missense variants in APC are not a common cause of disease (Spier I et al. Genet Med. 2024 Feb;26(2):100992). Based on the available evidence, the clinical significance of this variant remains unclear.

Labcorp Genetics (formerly Invitae), Labcorp
Classification: Uncertain significance for Familial adenomatous polyposis 1. Last evaluated: 2024-04-22. Review status: criteria provided, single submitter. Criteria: Invitae Variant Classification Sherloc (09022015). Collection method: clinical testing. Allele origin: germline.
Comment: This sequence change replaces phenylalanine, which is neutral and non-polar, with leucine, which is neutral and non-polar, at codon 1089 of the APC protein (p.Phe1089Leu). This variant is present in population databases (rs757020768, gnomAD 0.0009%). This variant has not been reported in the literature in individuals affected with APC-related conditions. ClinVar contains an entry for this variant (Variation ID: 1394710). Advanced modeling of protein sequence and biophysical properties (such as structural, functional, and spatial information, amino acid conservation, physicochemical variation, residue mobility, and thermodynamic stability) performed at Invitae indicates that this missense variant is not expected to disrupt APC protein function with a negative predictive value of 95%. In summary, the available evidence is currently insufficient to determine the role of this variant in disease. Therefore, it has been classified as a Variant of Uncertain Significance.